The following is an entry in ClinVar:

ClinVar aggregate classification (germline): Likely benign (0 of 4 stars; one submission).

Conditions:
KIF14-related disorder. Also called: KIF14-related condition.

Allele frequency attached by ClinVar (database versions not stated): ExAC 0.00001; gnomAD 0.00001; gnomAD exomes 0.00001; TOPMed 0.00002.
gnomAD v4.1: 10 of 1,606,068 alleles (0.00062%); highest among the groups gnomAD compares: South Asian, 0.0022%; no homozygotes.

Submission:

PreventionGenetics, part of Exact Sciences
Classification: Likely benign for KIF14-related condition. Last evaluated: 2022-08-29. Review status: no assertion criteria provided. Collection method: clinical testing. Allele origin: germline.
Comment: This variant is classified as likely benign based on ACMG/AMP sequence variant interpretation guidelines (Richards et al. 2015 PMID: 25741868, with internal and published modifications).

NM_014875.3(KIF14):c.1555-8T>G

Gene: KIF14 (kinesin family member 14; minus strand). Cytogenetic location: 1q32.1.
Variant type: single nucleotide variant.
Coding change: c.1555-8T>G on transcript NM_014875.3 (MANE Select); 8 bases into the intron before coding-DNA position 1555, T replaced by G.
Molecular consequence: intron variant.
Genome position (GRCh38, 1-based): chr1:200,606,806, A>C on the plus strand (T>G on the coding strand, the complement: KIF14 is on the minus strand). VCF-style: chr1-200606806-A-C. GRCh37 (hg19) VCF-style: chr1-200575934-A-C.
Other names: c.82-8T>G (NM_001305792.1).
Identifiers: ClinVar variation 3049642 (VCV003049642.2), dbSNP rs771624909, ClinGen allele CA1317800.